The following is an entry in ClinVar:

ClinVar aggregate classification (germline): Uncertain significance. Review status: criteria provided, multiple submitters, no conflicts (2 of 4 stars). 2 submissions from 2 submitters: Uncertain significance (2). Last evaluated 2025-11-03.

Conditions:
NPC2-related disorder. Also called: NPC2-related condition.
Niemann-Pick disease, type C2 (NPC2). Identifiers: Orphanet 646, MedGen C1843366, MONDO:0011873, OMIM 607625.

Submissions (2):

PreventionGenetics, part of Exact Sciences
Classification: Uncertain significance for NPC2-related condition. Last evaluated: 2025-11-03. Review status: criteria provided, single submitter. Criteria: ACMG Guidelines, 2015. Collection method: clinical testing. Allele origin: germline.
Comment: The NPC2 c.202_203delinsTT variant is predicted to result in an in-frame deletion and insertion. To our knowledge, this variant has not been reported in the literature or in a large population database (gnomAD), indicating this variant is rare. At this time, the clinical significance of this variant is uncertain due to the absence of conclusive functional and genetic evidence.

Labcorp Genetics (formerly Invitae), Labcorp
Classification: Uncertain significance for Niemann-Pick disease, type C2. Last evaluated: 2022-02-14. Review status: criteria provided, single submitter. Criteria: Invitae Variant Classification Sherloc (09022015). Collection method: clinical testing. Allele origin: germline.
Comment: This sequence change replaces lysine, which is basic and polar, with leucine, which is neutral and non-polar, at codon 68 of the NPC2 protein (p.Lys68Leu). This variant is present in population databases (no rsID available, gnomAD 0.2%). This variant has not been reported in the literature in individuals affected with NPC2-related conditions. Algorithms developed to predict the effect of missense changes on protein structure and function are either unavailable or do not agree on the potential impact of this missense change (SIFT: "Not Available"; PolyPhen-2: "Benign"; Align-GVGD: "Not Available"). In summary, the available evidence is currently insufficient to determine the role of this variant in disease. Therefore, it has been classified as a Variant of Uncertain Significance.

NM_006432.5(NPC2):c.202_203inv (p.Lys68Leu)

Gene: NPC2 (NPC intracellular cholesterol transporter 2; minus strand). Cytogenetic location: 14q24.3.
Variant type: Inversion.
Coding change: c.202_203inv on transcript NM_006432.5 (MANE Select).
Protein change: p.Lys68Leu; replaces lysine 68 with leucine.
Molecular consequence: missense variant.
Genome position: GRCh38 VCF-style: chr14-74484575-TT-AA. GRCh37 (hg19) VCF-style: chr14-74951278-TT-AA.
Other names: c.202_203inv, p.Lys68Leu (NM_001363688.1, NM_001375440.1); c.202_203delinsTT (NM_006432.3); short protein forms K68L.
Identifiers: ClinVar variation 2201896 (VCV002201896.2), ClinGen allele CA2580088723.
Genomic context (GRCh38, chr14:74,484,575, plus strand): 5'-GGAATGGGAAAGGGAACTGGGACGCCCATCAGGATGCCATGCACCACGGCCTTGCTGCTT[TT>AA]AGACTGAATATCTAAGAGAAAAAAAGAGAATCAGATGGCAAAGAAAATAACCTATTTTCA-3'
Protein context (NP_006423.1, residues 58-78): NVTFTSNIQS[Lys68Leu]SSKAVVHGIL